The following is an entry in ClinVar:

NM_001277313.2(FMN1):c.2044-1871G>A

Gene: FMN1 (formin 1; minus strand). Cytogenetic location: 15q13.3.
Variant type: single nucleotide variant.
Coding change: c.2044-1871G>A on transcript NM_001277313.2 (MANE Select); 1871 bases into the intron before coding-DNA position 2044, G replaced by A.
Molecular consequence: intron variant. On other transcripts: missense variant (1).
Genome position (GRCh38, 1-based): chr15:33,066,945, C>T on the plus strand (G>A on the coding strand, the complement: FMN1 is on the minus strand). VCF-style: chr15-33066945-C-T. GRCh37 (hg19) VCF-style: chr15-33359146-C-T.
Other names: c.940G>A, p.Val314Met (NM_001103184.4); short protein forms V314M.
Identifiers: ClinVar variation 1903689 (VCV001903689.5), dbSNP rs200901863, ClinGen allele CA7457229.
Genomic context (GRCh38, chr15:33,066,945, plus strand): 5'-CAGTTGCTTTCTTCTCACTCTTCACTGTCTGCAGCCCTGCCTGCACTAAGGACTTCTGCA[C>T]AGGCTGCGTCAATTTGAGCAAAGCTAAGTCCCCATCCTTTGGTTTAATTTCCGTGATGGT-3'

ClinVar aggregate classification (germline): Uncertain significance (1 of 4 stars; one submission).

gnomAD v4.1: 62 of 1,614,012 alleles (0.0038%); highest among the groups gnomAD compares: Non-Finnish European, 0.0045%; no homozygotes.

Submission:

Labcorp Genetics (formerly Invitae), Labcorp
Classification: Uncertain significance. Last evaluated: 2022-04-07. Review status: criteria provided, single submitter. Criteria: Invitae Variant Classification Sherloc (09022015). Collection method: clinical testing. Allele origin: germline.
Comment: In summary, the available evidence is currently insufficient to determine the role of this variant in disease. Therefore, it has been classified as a Variant of Uncertain Significance. Algorithms developed to predict the effect of missense changes on protein structure and function are either unavailable or do not agree on the potential impact of this missense change (SIFT: "Tolerated"; PolyPhen-2: "Not Available"; Align-GVGD: "Class C0"). This variant has not been reported in the literature in individuals affected with FMN1-related conditions. This variant is present in population databases (rs200901863, gnomAD 0.003%). This sequence change replaces valine, which is neutral and non-polar, with methionine, which is neutral and non-polar, at codon 314 of the FMN1 protein (p.Val314Met).